The following is an entry in ClinVar:

ClinVar aggregate classification (germline): Uncertain significance (1 of 4 stars; one submission).

Submission:

Dasa
Classification: Uncertain significance. Last evaluated: 2026-03-12. Review status: criteria provided, single submitter. Criteria: DASA Assertion Criteria. Collection method: clinical testing. Allele origin: germline.
Comment: NM_001070.5(TUBG1):c.619_652dup (p.Leu218Glnfs*46) is a frameshift variant in TUBG1 predicted to alter the reading frame and introduce a premature termination codon. This variant is rare in population databases. The currently available literature and clinical evidence are not sufficient to establish a definitive association between this variant and the reported condition. Therefore, this variant is classified as a variant of uncertain significance.

NM_001070.5(TUBG1):c.619_652dup (p.Leu218fs)

Gene: TUBG1 (tubulin gamma 1; plus strand). Cytogenetic location: 17q21.2.
Variant type: Duplication.
Coding change: c.619_652dup on transcript NM_001070.5 (MANE Select); coding-DNA positions 619 to 652, 34 bases duplicated.
Protein change: p.Leu218fs; shifts the reading frame from leucine 218.
Molecular consequence: frameshift variant.
Genome position (GRCh38, 1-based): chr17:42,613,659-42,613,692, 34 bases duplicated; duplicating any 34 consecutive bases within chr17:42,613,658-42,613,692 gives the same sequence; the c. name uses the placement nearest the transcript's 3' end. GRCh37 (hg19): chr17:40,765,677-40,765,710.
Other names: short protein forms L218fs.
Identifiers: ClinVar variation 4886375 (VCV004886375.2).